The following is an entry in ClinVar:

NM_004526.4(MCM2):c.673+7C>T

Gene: MCM2 (minichromosome maintenance complex component 2; plus strand). Cytogenetic location: 3q21.3.
Variant type: single nucleotide variant.
Coding change: c.673+7C>T on transcript NM_004526.4 (MANE Select); 7 bases into the intron after coding-DNA position 673, C replaced by T.
Molecular consequence: intron variant.
Genome position (GRCh38, 1-based): chr3:127,605,163, C>T. VCF-style: chr3-127605163-C-T. GRCh37 (hg19) VCF-style: chr3-127324006-C-T.
Identifiers: ClinVar variation 4995482 (VCV004995482.1).

ClinVar aggregate classification (germline): Likely benign (1 of 4 stars; one submission).

Conditions:
MCM2-related disorder. Also called: MCM2-related condition.

Submission:

PreventionGenetics, part of Exact Sciences
Classification: Likely benign for MCM2-related condition. Last evaluated: 2026-01-13. Review status: criteria provided, single submitter. Criteria: ACMG Guidelines, 2015. Collection method: clinical testing. Allele origin: germline.
Comment: This variant is classified as likely benign based on ACMG/AMP sequence variant interpretation guidelines (Richards et al. 2015 PMID: 25741868, with internal and published modifications).